The following is an entry in ClinVar:

NM_032188.3(KAT8):c.554G>A (p.Gly185Glu)

Gene: KAT8 (lysine acetyltransferase 8; plus strand). Cytogenetic location: 16p11.2.
Variant type: single nucleotide variant.
Coding change: c.554G>A on transcript NM_032188.3 (MANE Select); coding-DNA position 554, G replaced by A.
Protein change: p.Gly185Glu; replaces glycine 185 with glutamic acid.
Molecular consequence: missense variant.
Genome position (GRCh38, 1-based): chr16:31,127,226, G>A. VCF-style: chr16-31127226-G-A. GRCh37 (hg19) VCF-style: chr16-31138547-G-A.
Other names: c.554G>A, p.Gly185Glu (NM_182958.4); short protein forms G185E.
Identifiers: ClinVar variation 3769732 (VCV003769732.1).
Genomic context (GRCh38, chr16:31,127,226, plus strand): 5'-CCTCACTCCCACCCTGCCTGCAGATCACCAAGGTGAAGTATGTGGACAAGATCCACATCG[G>A]GAACTACGAAATTGATGCCTGGTATTTCTCACCATTCCCCGAAGACTATGGGAAACAGCC-3'
Protein context (NP_115564.2, residues 175-195): KVKYVDKIHI[Gly185Glu]NYEIDAWYFS

ClinVar aggregate classification (germline): Uncertain significance (1 of 4 stars; one submission).

Submission:

GeneDx
Classification: Uncertain significance. Last evaluated: 2024-09-16. Review status: criteria provided, single submitter. Criteria: GeneDx Variant Classification Process June 2021. Collection method: clinical testing. Allele origin: germline. Affected: yes.
Comment: Not observed at significant frequency in large population cohorts (gnomAD); In silico analysis supports that this missense variant has a deleterious effect on protein structure/function; Has not been previously published as pathogenic or benign to our knowledge